The following continues an entry in ClinVar:

NM_007294.4(BRCA1):c.5216A>G (p.Asp1739Gly)

Gene: BRCA1. ClinVar aggregate classification (germline): Pathogenic/Likely pathogenic. Pathogenic (1); Likely pathogenic (7).

Submissions 9 to 14 of 14:

Foulkes Cancer Genetics LDI, Lady Davis Institute for Medical Research
Classification: Uncertain significance for Breast and/or ovarian cancer. Last evaluated: 2012-12-21. Review status: no assertion criteria provided. Collection method: clinical testing. Allele origin: germline. Study: The Canadian Open Genetics Repository (COGR). Not counted in ClinVar's aggregate classification.

Breast Cancer Information Core (BIC) (BRCA1)
Classification: Uncertain significance for Breast-ovarian cancer, familial 1. Last evaluated: 1997-11-14. Review status: no assertion criteria provided. Collection method: clinical testing. Allele origin: germline. Affected: yes. Observed: 2 variant alleles. Not counted in ClinVar's aggregate classification.

Brotman Baty Institute, University of Washington
No classification provided (evidence only). Condition: Breast-ovarian cancer, familial 1. Review status: no classification provided. Collection method: in vitro. Allele origin: not applicable. Functional consequence: functionally_abnormal. Not counted in ClinVar's aggregate classification.
ClinVar note: "not provided" was previously submitted as the classification for the variant. However, the classification appeared to be based only on an observation of functional data so it was converted to no classification on 2025-07-30.

Department of Pathology and Laboratory Medicine, Sinai Health System
Classification: Likely pathogenic for Malignant tumor of breast. Review status: no assertion criteria provided. Collection method: clinical testing. Allele origin: unknown. Affected: yes. Study: The Canadian Open Genetics Repository (COGR). Not counted in ClinVar's aggregate classification.
Comment: The BRCA1 p.Asp1739Gly variant was identified in 5 of 3114 proband chromosomes (frequency: 0.002) from individuals or families with breast or ovarian cancer (van Harssel 2010, Rostagno 2003, Haffty 2009, Shattuck-Eidens 1997). The variant was also identified in dbSNP (ID: rs80357227) as "With Likely pathogenic, Pathogenic allele", ClinVar (classified as likely pathogenic by Invitae and GeneDx; as uncertain significance by two submitters), COGR, MutDB, UMD-LSDB (1x as unclassified variant), and in BIC Database (2x with unknown significance). The variant was not identified in Cosmic, ARUP Laboratories, Zhejiang University databases, the Exome Aggregation Consortium (August 8th 2016), or the Genome Aggregation Database (Feb 27, 2017). The p.Asp1739 residue is conserved across mammals and other organisms, and four out of five computational analyses (PolyPhen-2, SIFT, AlignGVGD, BLOSUM, MutationTaster) suggest that the variant may impact the protein; however, this information is not predictive enough to assume pathogenicity. The variant occurs outside of the splicing consensus sequence and 2 of 4 in silico or computational prediction software programs (SpliceSiteFinder, MaxEntScan, NNSPLICE, GeneSplicer) predict a greater than 10% difference in splicing; this is not very predictive of pathogenicity. Functional studies, including in vitro protein folding, phosphopeptide-binding, and cell-based transcriptional assays, predict this variant to be disease associated and classified as deleterious (Karchin 2007, Mirkovic 2004, Lee 2010, Bouwman 2013, Coyne 2004). In summary, based on the above information the clinical significance of this variant cannot be determined with certainty at this time although we would lean towards a more pathogenic role for this variant. This variant is classified as likely pathogenic.

Diagnostic Laboratory, Department of Genetics, University Medical Center Groningen
Classification: Likely pathogenic. Review status: no assertion criteria provided. Collection method: clinical testing. Allele origin: germline. Affected: yes. Study: VKGL Data-share Consensus. Not counted in ClinVar's aggregate classification.

Joint Genome Diagnostic Labs from Nijmegen and Maastricht, Radboudumc and MUMC+
Classification: Likely pathogenic. Review status: no assertion criteria provided. Collection method: clinical testing. Allele origin: germline. Affected: yes. Study: VKGL Data-share Consensus. Not counted in ClinVar's aggregate classification.

Literature cited by the submitters: PubMed 9333265 (cited by 3 submitters); PubMed 12827452 (cited by 3 submitters); PubMed 15800311 (cited by 3 submitters); PubMed 19491284 (cited by 3 submitters); PubMed 19949876 (cited by 3 submitters); PubMed 35534704 (cited by Labcorp Genetics (formerly Invitae), Labcorp); PubMed 30209399 (cited by Labcorp Genetics (formerly Invitae), Labcorp and Ambry Genetics); PubMed 15004537 (cited by Labcorp Genetics (formerly Invitae), Labcorp and Ambry Genetics); PubMed 20516115 (cited by 3 submitters); PubMed 23867111 (cited by Labcorp Genetics (formerly Invitae), Labcorp and Ambry Genetics); PubMed 32546644 (cited by 3 submitters); PubMed 33471991 (cited by Color Diagnostics, LLC DBA Color Health); PubMed 10946236 (cited by Ambry Genetics); PubMed 15172985 (cited by Ambry Genetics); PubMed 17305420 (cited by Ambry Genetics); PubMed 28781887 (cited by Ambry Genetics); PubMed 29752822 (cited by Ambry Genetics); PubMed 30257991 (cited by Ambry Genetics).